The following is an entry in ClinVar:

NM_003134.6(SRP14):c.354C>A (p.Ala118=)

Gene: SRP14 (signal recognition particle 14; minus strand). Cytogenetic location: 15q15.1.
Variant type: single nucleotide variant.
Coding change: c.354C>A on transcript NM_003134.6 (MANE Select); coding-DNA position 354, C replaced by A.
Protein change: p.Ala118=; no amino-acid change (alanine 118 retained).
Molecular consequence: synonymous variant.
Genome position (GRCh38, 1-based): chr15:40,036,390, G>T on the plus strand (C>A on the coding strand, the complement: SRP14 is on the minus strand). VCF-style: chr15-40036390-G-T. GRCh37 (hg19) VCF-style: chr15-40328591-G-T.
Other names: c.210C>A, p.Ala70= (NM_001309434.1).
Identifiers: ClinVar variation 5038493 (VCV005038493.1).

ClinVar aggregate classification (germline): Likely benign (1 of 4 stars; one submission).

Submission:

CeGaT Center for Human Genetics Tuebingen
Classification: Likely benign. Last evaluated: 2026-08-01. Review status: criteria provided, single submitter. Criteria: CeGaT Center For Human Genetics Tuebingen Variant Classification Criteria Version 2. Collection method: clinical testing. Allele origin: germline. Affected: yes. Observed: 1 variant allele.
Comment: SRP14: BP4, BP7